The following is an entry in ClinVar:

NM_001243133.2(NLRP3):c.985C>G (p.Leu329Val)

Gene: NLRP3 (NLR family pyrin domain containing 3; plus strand). Cytogenetic location: 1q44.
Variant type: single nucleotide variant.
Coding change: c.985C>G on transcript NM_001243133.2 (MANE Select); coding-DNA position 985, C replaced by G.
Protein change: p.Leu329Val; replaces leucine 329 with valine.
Molecular consequence: missense variant.
Genome position (GRCh38, 1-based): chr1:247,424,434, C>G. VCF-style: chr1-247424434-C-G. GRCh37 (hg19) VCF-style: chr1-247587736-C-G.
Other names: c.985C>G, p.Leu329Val (NM_001079821.3, NM_001127461.3, NM_001127462.3 and 1 more transcripts); c.991C>G, p.Leu331Val (NM_004895.5); short protein forms L329V, L331V.
Identifiers: ClinVar variation 2536252 (VCV002536252.6), dbSNP rs202077909, ClinGen allele CA40691183.

ClinVar aggregate classification (germline): Uncertain significance. Review status: criteria provided, multiple submitters, no conflicts (2 of 4 stars). 3 submissions from 3 submitters: Uncertain significance (3). Last evaluated 2024-06-17.

Conditions:
Cryopyrin associated periodic syndrome (CAPS). Identifiers: Orphanet 208650, MedGen C2316212, MONDO:0016168.
Inborn genetic diseases. Identifiers: MedGen C0950123, MeSH D030342.
Keratitis fugax hereditaria. Also called: KERATOENDOTHELIITIS FUGAX HEREDITARIA. Identifiers: Orphanet 647815, MedGen C1835697, MONDO:0007849, OMIM 148200.
Hearing loss, autosomal dominant 34, with or without inflammation. Also called: DEAFNESS, AUTOSOMAL DOMINANT 34, WITH OR WITHOUT INFLAMMATION. Identifiers: MedGen C4521680, MONDO:0033261, OMIM 617772.
Familial amyloid nephropathy with urticaria AND deafness (MWS). Also called: UDA SYNDROME; URTICARIA-DEAFNESS-AMYLOIDOSIS SYNDROME; MUCKLE-WELLS SYNDROME; CRYOPYRIN-ASSOCIATED PERIODIC SYNDROME 2; Urticaria, deafness and amyloidosis. Identifiers: Orphanet 575, MedGen C0268390, MONDO:0008633, OMIM 191900.
Chronic infantile neurological, cutaneous and articular syndrome (CINCA). Also called: CINCA syndrome; CHRONIC NEUROLOGIC CUTANEOUS AND ARTICULAR SYNDROME; CRYOPYRIN-ASSOCIATED PERIODIC SYNDROME 3; Prieur Griscelli syndrome. Identifiers: Orphanet 1451, MedGen C0409818, MONDO:0011776, OMIM 607115.
Familial cold autoinflammatory syndrome 1 (FCAS1). Also called: Familial cold inflammatory syndrome 1; CRYOPYRIN-ASSOCIATED PERIODIC SYNDROME 1. Identifiers: Orphanet 47045, MedGen C4551895, MONDO:0007349, OMIM 120100.

Allele frequency attached by ClinVar (database versions not stated): gnomAD exomes 0.00001.
gnomAD v4.1: 8 of 1,614,216 alleles (0.0005%); highest among the groups gnomAD compares: Non-Finnish European, 0.00068%; no homozygotes.

Submissions (3):

Fulgent Genetics
Classification: Uncertain significance for Familial cold autoinflammatory syndrome 1; Keratitis fugax hereditaria; Familial amyloid nephropathy with urticaria AND deafness; Chronic infantile neurological, cutaneous and articular syndrome; Hearing loss, autosomal dominant 34, with or without inflammation. Last evaluated: 2024-06-17. Review status: criteria provided, single submitter. Criteria: ACMG Guidelines, 2015. Collection method: clinical testing. Allele origin: germline.

Labcorp Genetics (formerly Invitae), Labcorp
Classification: Uncertain significance for Cryopyrin associated periodic syndrome. Last evaluated: 2023-11-27. Review status: criteria provided, single submitter. Criteria: Invitae Variant Classification Sherloc (09022015). Collection method: clinical testing. Allele origin: germline.
Comment: This sequence change replaces leucine, which is neutral and non-polar, with valine, which is neutral and non-polar, at codon 331 of the NLRP3 protein (p.Leu331Val). This variant is not present in population databases (gnomAD no frequency). This variant has not been reported in the literature in individuals affected with NLRP3-related conditions. ClinVar contains an entry for this variant (Variation ID: 2536252). Advanced modeling of protein sequence and biophysical properties (such as structural, functional, and spatial information, amino acid conservation, physicochemical variation, residue mobility, and thermodynamic stability) has been performed at Invitae for this missense variant, however the output from this modeling did not meet the statistical confidence thresholds required to predict the impact of this variant on NLRP3 protein function. In summary, the available evidence is currently insufficient to determine the role of this variant in disease. Therefore, it has been classified as a Variant of Uncertain Significance.

Ambry Genetics
Classification: Uncertain significance for Inborn genetic diseases. Last evaluated: 2023-04-12. Review status: criteria provided, single submitter. Criteria: Ambry Variant Classification Scheme 2023. Collection method: clinical testing. Allele origin: germline.